The following is an entry in ClinVar:

ClinVar aggregate classification (germline): Uncertain significance (1 of 4 stars; one submission).

Submission:

GeneDx
Classification: Uncertain significance. Last evaluated: 2021-01-21. Review status: criteria provided, single submitter. Criteria: GeneDx Variant Classification Process June 2021. Collection method: clinical testing. Allele origin: germline. Affected: yes.
Comment: Not observed in large population cohorts (Lek et al., 2016); In silico analysis supports that this missense variant does not alter protein structure/function; Has not been previously published as pathogenic or benign to our knowledge

NM_017780.4(CHD7):c.2033A>G (p.Lys678Arg)

Genes: CHD7 (chromodomain helicase DNA binding protein 7; plus strand), LOC126860403 (CDK7 strongly-dependent group 2 enhancer GRCh37_chr8:61693034-61694233; plus strand). Cytogenetic location: 8q12.2.
Variant type: single nucleotide variant.
Coding change: c.2033A>G on transcript NM_017780.4 (MANE Select); coding-DNA position 2033, A replaced by G.
Protein change: p.Lys678Arg; replaces lysine 678 with arginine.
Molecular consequence: missense variant. On other transcripts: intron variant (1).
Genome position (GRCh38, 1-based): chr8:60,781,367, A>G. VCF-style: chr8-60781367-A-G. GRCh37 (hg19) VCF-style: chr8-61693926-A-G.
Other names: c.1716+317A>G (NM_001316690.1); short protein forms K678R.
Identifiers: ClinVar variation 1313928 (VCV001313928.2), dbSNP rs2150670105, ClinGen allele CA371313455.
Genomic context (GRCh38, chr8:60,781,367, plus strand): 5'-AACCCAAGGAGAAAAAAGAGCCCAAGGAACCCAAGACCCCGAAAGCCCCTAAGATTCCCA[A>G]AGAGCCAAAGGAAAAGAAAGCAAAAACTGCCACGCCAAAACCCAAATCCAGCAAAAAGTC-3'
Protein context (NP_060250.2, residues 668-688): PKTPKAPKIP[Lys678Arg]EPKEKKAKTA